The following is an entry in ClinVar:

NM_002906.4(RDX):c.256C>G (p.Pro86Ala)

Gene: RDX (radixin; minus strand). Cytogenetic location: 11q22.3.
Variant type: single nucleotide variant.
Coding change: c.256C>G on transcript NM_002906.4 (MANE Select); coding-DNA position 256, C replaced by G.
Protein change: p.Pro86Ala; replaces proline 86 with alanine.
Molecular consequence: missense variant. On other transcripts: intron variant (2).
Genome position (GRCh38, 1-based): chr11:110,264,171, G>C on the plus strand (C>G on the coding strand, the complement: RDX is on the minus strand). VCF-style: chr11-110264171-G-C. GRCh37 (hg19) VCF-style: chr11-110134896-G-C.
Other names: c.256C>G, p.Pro86Ala (NM_001260492.2, NM_001260493.2); c.160C>G, p.Pro54Ala (NM_001260496.2); c.-83+15510C>G (NM_001260495.2); c.60-5982C>G (NM_001260494.2); short protein forms P86A, P54A.
Identifiers: ClinVar variation 229198 (VCV000229198.10), dbSNP rs376418131, ClinGen allele CA6270358.

ClinVar aggregate classification (germline): Uncertain significance. Review status: criteria provided, multiple submitters, no conflicts (2 of 4 stars). 5 submissions from 5 submitters: Uncertain significance (5). Last evaluated 2026-06-01.

Allele frequency attached by ClinVar (database versions not stated): TOPMed 0.00003; ESP Exome Variant Server 0.00008; gnomAD exomes 0.00011; ExAC 0.00016.
gnomAD v4.1: 123 of 1,611,112 alleles (0.0076%); highest among the groups gnomAD compares: South Asian, 0.08%; 2 homozygotes.

Submissions (5):

CeGaT Center for Human Genetics Tuebingen
Classification: Uncertain significance. Last evaluated: 2026-06-01. Review status: criteria provided, single submitter. Criteria: CeGaT Center For Human Genetics Tuebingen Variant Classification Criteria Version 2. Collection method: clinical testing. Allele origin: germline. Affected: yes. Observed: 1 variant allele.
Comment: RDX: PM2, PM3:Supporting, PP3

Blueprint Genetics
Classification: Uncertain significance. Last evaluated: 2024-11-18. Review status: criteria provided, single submitter. Criteria: ACMG Guidelines, 2015. Collection method: clinical testing. Allele origin: germline.

GeneDx
Classification: Uncertain significance. Last evaluated: 2024-09-30. Review status: criteria provided, single submitter. Criteria: GeneDx Variant Classification Process June 2021. Collection method: clinical testing. Allele origin: germline. Affected: yes.
Comment: In silico analysis supports that this missense variant has a deleterious effect on protein structure/function; This variant is associated with the following publications: (PMID: 32860223)

Labcorp Genetics (formerly Invitae), Labcorp
Classification: Uncertain significance. Last evaluated: 2023-11-10. Review status: criteria provided, single submitter. Criteria: Invitae Variant Classification Sherloc (09022015). Collection method: clinical testing. Allele origin: germline.
Comment: This sequence change replaces proline, which is neutral and non-polar, with alanine, which is neutral and non-polar, at codon 86 of the RDX protein (p.Pro86Ala). This variant is present in population databases (rs376418131, gnomAD 0.07%). This missense change has been observed in individual(s) with non-syndromic deafness (PMID: 32860223). ClinVar contains an entry for this variant (Variation ID: 229198). An algorithm developed to predict the effect of missense changes on protein structure and function (PolyPhen-2) suggests that this variant is likely to be disruptive. In summary, the available evidence is currently insufficient to determine the role of this variant in disease. Therefore, it has been classified as a Variant of Uncertain Significance.

Laboratory for Molecular Medicine, Mass General Brigham Personalized Medicine
Classification: Uncertain significance. Last evaluated: 2015-09-08. Review status: criteria provided, single submitter. Criteria: LMM Criteria. Collection method: clinical testing. Allele origin: germline. Observed: 1 variant allele.
Comment: The p.Pro86Ala variant in RDX has not been previously reported in individuals wi th hearing loss, but has been identified in 0.1% (13/16304) of South Asian chrom osomes by the Exome Aggregation Consortium (ExAC ; dbSNP rs376418131). Although this variant has been seen in the general populat ion, its frequency is not high enough to rule out a pathogenic role. Computation al prediction tools and conservation analysis suggest that the p.Pro86Ala varian t may impact the protein, though this information is not predictive enough to de termine pathogenicity. In summary, the clinical significance of the p.Pro86Ala v ariant is uncertain.

Literature cited by the submitters: PubMed 32860223 (cited by Labcorp Genetics (formerly Invitae), Labcorp).